The following is an entry in ClinVar:

ClinVar aggregate classification (germline): Uncertain significance (1 of 4 stars; one submission).

Submission:

Dasa
Classification: Uncertain significance. Last evaluated: 2025-12-06. Review status: criteria provided, single submitter. Criteria: DASA Assertion Criteria. Collection method: clinical testing. Allele origin: germline.
Comment: NM_153704.6(TMEM67):c.1009T>C (p.Tyr337His) is a missense variant that results in the substitution of tyrosine with histidine. This variant is absent from population databases. Computational prediction algorithms are consistent with a deleterious effect. The currently available literature and clinical evidence are not sufficient to establish a definitive association between this variant and the reported condition. Therefore, this variant is classified as a variant of uncertain significance.

NM_153704.6(TMEM67):c.1009T>C (p.Tyr337His)

Gene: TMEM67 (transmembrane protein 67; plus strand). Cytogenetic location: 8q22.1.
Variant type: single nucleotide variant.
Coding change: c.1009T>C on transcript NM_153704.6 (MANE Select); coding-DNA position 1009, T replaced by C.
Protein change: p.Tyr337His; replaces tyrosine 337 with histidine.
Molecular consequence: missense variant. On other transcripts: non-coding transcript variant (1).
Genome position (GRCh38, 1-based): chr8:93,781,688, T>C. VCF-style: chr8-93781688-T-C. GRCh37 (hg19) VCF-style: chr8-94793916-T-C.
Other names: c.766T>C, p.Tyr256His (NM_001142301.1); short protein forms Y256H, Y337H.
Identifiers: ClinVar variation 5020768 (VCV005020768.1).